The following is an entry in ClinVar:

ClinVar aggregate classification (germline): Uncertain significance. Review status: criteria provided, multiple submitters, no conflicts (2 of 4 stars). 2 submissions from 2 submitters: Uncertain significance (2). Last evaluated 2024-06-27.

Conditions:
BBS9-related disorder. Also called: BBS9-related condition.

Allele frequency attached by ClinVar (database versions not stated): TOPMed below 0.00001.
gnomAD v4.1: 7 of 1,613,516 alleles (0.00043%); highest among the groups gnomAD compares: Non-Finnish European, 0.00059%; no homozygotes.

Submissions (2):

Blueprint Genetics
Classification: Uncertain significance. Last evaluated: 2024-06-27. Review status: criteria provided, single submitter. Criteria: ACMG Guidelines, 2015. Collection method: clinical testing. Allele origin: germline.

PreventionGenetics, part of Exact Sciences
Classification: Uncertain significance for BBS9-related condition. Last evaluated: 2023-06-29. Review status: criteria provided, single submitter. Criteria: ACMG Guidelines, 2015. Collection method: clinical testing. Allele origin: germline.
Comment: The BBS9 c.809G>T variant is predicted to result in the amino acid substitution p.Cys270Phe. To our knowledge, this variant has not been reported in the literature or in a large population database, indicating this variant is rare. At this time, the clinical significance of this variant is uncertain due to the absence of conclusive functional and genetic evidence.

NM_198428.3(BBS9):c.809G>T (p.Cys270Phe)

Gene: BBS9 (Bardet-Biedl syndrome 9; plus strand). Cytogenetic location: 7p14.3.
Variant type: single nucleotide variant.
Coding change: c.809G>T on transcript NM_198428.3 (MANE Select); coding-DNA position 809, G replaced by T.
Protein change: p.Cys270Phe; replaces cysteine 270 with phenylalanine.
Molecular consequence: missense variant. On other transcripts: non-coding transcript variant (3).
Genome position (GRCh38, 1-based): chr7:33,273,118, G>T. VCF-style: chr7-33273118-G-T. GRCh37 (hg19) VCF-style: chr7-33312730-G-T.
Other names: c.809G>T, p.Cys270Phe (NM_001033604.2, NM_001033605.2, NM_001348036.1 and 5 more transcripts); c.443G>T, p.Cys148Phe (NM_001348037.3, NM_001348044.3, NM_001348045.3 and 1 more transcripts); c.536G>T, p.Cys179Phe (NM_001348038.3, NM_001348039.3); c.674G>T, p.Cys225Phe (NM_001348042.3); short protein forms C179F, C148F, C225F, C270F.
Identifiers: ClinVar variation 866588 (VCV000866588.3), dbSNP rs763742314, ClinGen allele CA367254395.